The following is an entry in ClinVar:

ClinVar aggregate classification (germline): Uncertain significance (1 of 4 stars; one submission).

Conditions:
Progressive myoclonic epilepsy type 7. Identifiers: Orphanet 435438, MedGen C4015420, MONDO:0014521, OMIM 616187.

Submission:

Labcorp Genetics (formerly Invitae), Labcorp
Classification: Uncertain significance for Progressive myoclonic epilepsy type 7. Last evaluated: 2023-07-20. Review status: criteria provided, single submitter. Criteria: Invitae Variant Classification Sherloc (09022015). Collection method: clinical testing. Allele origin: unknown.
Comment: In summary, the available evidence is currently insufficient to determine the role of this variant in disease. Therefore, it has been classified as a Variant of Uncertain Significance. A similar copy number variant has been observed in individual(s) with autosomal dominant KCNC1-related conditions (Invitae). A gross deletion of the genomic region encompassing the full coding sequence of the KCNC1 gene has been identified. The current clinical and genetic evidence is not sufficient to establish whether loss-of-function variants in KCNC1 cause disease. The boundaries of this event are unknown as they extend beyond the assayed region for this gene and therefore may encompass additional genes.

NC_000011.9:g.(?_17757550)_(17803281_?)del

Gene: KCNC1 (potassium voltage-gated channel subfamily C member 1; plus strand). Cytogenetic location: 11p15.1.
Variant type: Deletion.
Identifiers: ClinVar variation 3244677 (VCV003244677.1).